The following is an entry in ClinVar:

ClinVar aggregate classification (germline): Likely pathogenic (1 of 4 stars; one submission).

Submission:

Labcorp Genetics (formerly Invitae), Labcorp
Classification: Likely pathogenic. Last evaluated: 2022-10-17. Review status: criteria provided, single submitter. Criteria: Invitae Variant Classification Sherloc (09022015). Collection method: clinical testing. Allele origin: germline.
Comment: This variant results in the deletion of exon 14 and part of exon 13 (c.2454_3022+646del) of the IMPG2 gene. It is expected to disrupt RNA splicing. Variants that disrupt the donor or acceptor splice site typically lead to a loss of protein function (PMID: 16199547), and loss-of-function variants in IMPG2 are known to be pathogenic (PMID: 20673862). This variant has not been reported in the literature in individuals affected with IMPG2-related conditions. This variant disrupts a region of the IMPG2 protein in which other variant(s) (p.Asp1004Val) have been observed in individuals with IMPG2-related conditions (Invitae). This suggests that this is a clinically significant region of the protein, and that variants that disrupt it are likely to be disease-causing. In summary, the currently available evidence indicates that the variant is pathogenic, but additional data are needed to prove that conclusively. Therefore, this variant has been classified as Likely Pathogenic.

Literature cited by the submitters: PubMed 16199547; PubMed 20673862.

NC_000003.11:g.(?_100960886)_(100962721_?)del

Gene: IMPG2 (interphotoreceptor matrix proteoglycan 2; minus strand). Cytogenetic location: 3q12.3.
Variant type: Deletion.
Identifiers: ClinVar variation 2426288 (VCV002426288.4).